The following is an entry in ClinVar:

NM_001040142.2(SCN2A):c.4013T>G (p.Met1338Arg)

Gene: SCN2A (sodium voltage-gated channel alpha subunit 2; plus strand). Cytogenetic location: 2q24.3.
Variant type: single nucleotide variant.
Coding change: c.4013T>G on transcript NM_001040142.2 (MANE Select); coding-DNA position 4013, T replaced by G.
Protein change: p.Met1338Arg; replaces methionine 1338 with arginine.
Molecular consequence: missense variant.
Genome position (GRCh38, 1-based): chr2:165,374,725, T>G. VCF-style: chr2-165374725-T-G. GRCh37 (hg19) VCF-style: chr2-166231235-T-G.
Other names: p.M1338R:ATG>AGG; c.4013T>G, p.Met1338Arg (NM_001040143.2, NM_001371246.1, NM_001371247.1 and 1 more transcripts); short protein forms M1338R.
Identifiers: ClinVar variation 206995 (VCV000206995.2), dbSNP rs796053133, ClinGen allele CA317951.
Genomic context (GRCh38, chr2:165,374,725, plus strand): 5'-TCCTTCTCATCCTGTGCCAGGTTGTTGTAAATGCTCTTTTAGGAGCCATTCCATCTATCA[T>G]GAATGTACTTCTGGTTTGTCTGATCTTTTGGCTAATATTCAGTATCATGGGAGTGAATCT-3'
Protein context (NP_001035232.1, residues 1328-1348): NALLGAIPSI[Met1338Arg]NVLLVCLIFW

ClinVar aggregate classification (germline): Likely pathogenic (1 of 4 stars; one submission).

Submission:

GeneDx
Classification: Likely pathogenic. Last evaluated: 2013-03-05. Review status: criteria provided, single submitter. Criteria: GeneDx Variant Classification (06012015). Collection method: clinical testing. Allele origin: germline. Affected: yes.
Comment: p.Met1338Arg (ATG>AGG): c.4013 T>G in exon 22 of the SCN2A gene (NM_021007.2). The Met1338Arg missense change has not been published as a mutation, nor has it been reported as a benign polymorphism to our knowledge. The NHLBI ESP Exome Variant Project has not identified Met1338Arg in approximately 6,500 individuals of European or African American ethnicity, indicating that it is not a common benign variant in these populations. The amino acid substitution is non-conservative as an uncharged, non-polar Methionine residue is replaced by a positively charged, polar Arginine residue. Met1338Arg alters a conserved position in mammals between the S4 and S5 segments of the third transmembrane domain, and another missense mutation in this region of the protein has been reported in association with benign familial neonatal-infantile seizures (Heron et al., 2002; Shi et al., 2011). In addition, multiple in-silico algorithms predict Met1338Arg may be damaging to the structure/function of the protein. Therefore, based on the currently available information, Met1338Arg is a strong candidate for a disease-causing mutation. The variant is found in INFANT-EPI panel(s).